The following is an entry in ClinVar:

NM_002875.5(RAD51):c.1016A>T (p.Asp339Val)

Gene: RAD51 (RAD51 recombinase; plus strand). Cytogenetic location: 15q15.1.
Variant type: single nucleotide variant.
Coding change: c.1016A>T on transcript NM_002875.5 (MANE Select); coding-DNA position 1016, A replaced by T.
Protein change: p.Asp339Val; replaces aspartic acid 339 with valine.
Molecular consequence: missense variant. On other transcripts: 3 prime UTR variant (1).
Genome position (GRCh38, 1-based): chr15:40,731,174, A>T. VCF-style: chr15-40731174-A-T. GRCh37 (hg19) VCF-style: chr15-41023372-A-T.
Other names: c.1019A>T, p.Asp340Val (NM_001164269.2, NM_133487.4); c.*51A>T (NM_001164270.2); c.1016A>T (NM_002875.4); short protein forms D339V, D340V.
Identifiers: ClinVar variation 2110853 (VCV002110853.5), dbSNP rs2504538342, ClinGen allele CA391761333.

ClinVar aggregate classification (germline): Uncertain significance. Review status: criteria provided, multiple submitters, no conflicts (2 of 4 stars). 2 submissions from 2 submitters: Uncertain significance (2). Last evaluated 2024-02-05.

Conditions:
Inborn genetic diseases. Identifiers: MedGen C0950123, MeSH D030342.

Allele frequency attached by ClinVar (database versions not stated): gnomAD exomes below 0.00001.
gnomAD v4.1: 1 of 1,614,028 alleles (0.000062%); highest among the groups gnomAD compares: Non-Finnish European, 0.000085%; no homozygotes.

Submissions (2):

Ambry Genetics
Classification: Uncertain significance for Inborn genetic diseases. Last evaluated: 2024-02-05. Review status: criteria provided, single submitter. Criteria: Ambry Variant Classification Scheme 2023. Collection method: clinical testing. Allele origin: germline.

Labcorp Genetics (formerly Invitae), Labcorp
Classification: Uncertain significance. Last evaluated: 2022-10-25. Review status: criteria provided, single submitter. Criteria: Invitae Variant Classification Sherloc (09022015). Collection method: clinical testing. Allele origin: germline.
Comment: In summary, the available evidence is currently insufficient to determine the role of this variant in disease. Therefore, it has been classified as a Variant of Uncertain Significance. Algorithms developed to predict the effect of missense changes on protein structure and function (SIFT, PolyPhen-2, Align-GVGD) all suggest that this variant is likely to be disruptive. This variant has not been reported in the literature in individuals affected with RAD51-related conditions. This variant is not present in population databases (gnomAD no frequency). This sequence change replaces aspartic acid, which is acidic and polar, with valine, which is neutral and non-polar, at codon 339 of the RAD51 protein (p.Asp339Val).